The following is an entry in ClinVar:

NM_001374736.1(DST):c.16781G>A (p.Arg5594Gln)

Gene: DST (dystonin; minus strand). Cytogenetic location: 6p12.1.
Variant type: single nucleotide variant.
Coding change: c.16781G>A on transcript NM_001374736.1 (MANE Select); coding-DNA position 16781, G replaced by A.
Protein change: p.Arg5594Gln; replaces arginine 5594 with glutamine.
Molecular consequence: missense variant.
Genome position (GRCh38, 1-based): chr6:56,535,282, C>T on the plus strand (G>A on the coding strand, the complement: DST is on the minus strand). VCF-style: chr6-56535282-C-T. GRCh37 (hg19) VCF-style: chr6-56400080-C-T.
Other names: c.10424G>A, p.Arg3475Gln (NM_001144769.5); c.10010G>A, p.Arg3337Gln (NM_001144770.2); c.16781G>A, p.Arg5594Gln (NM_001374722.1); c.16148G>A, p.Arg5383Gln (NM_001374729.1); c.9890G>A, p.Arg3297Gln (NM_001374730.1, NM_001386100.1, NM_183380.4); c.16808G>A, p.Arg5603Gln (NM_001374734.1); c.8912G>A, p.Arg2971Gln (NM_015548.5); short protein forms R2971Q, R3297Q, R3337Q, R3475Q, R5383Q, R5594Q, R5603Q.
Identifiers: ClinVar variation 1017454 (VCV001017454.7), dbSNP rs766153258, ClinGen allele CA3867584.

ClinVar aggregate classification (germline): Uncertain significance (1 of 4 stars; one submission).

Conditions:
Hereditary sensory and autonomic neuropathy type 6. Also called: HSAN VI; Neuropathy, hereditary sensory and autonomic, type VI. Identifiers: Orphanet 314381, MedGen C3539003, MONDO:0013839, OMIM 614653.
Epidermolysis bullosa simplex 3, localized or generalized intermediate, with BP230 deficiency (EBS3). Also called: Epidermolysis bullosa simplex due to BP230 deficiency; Epidermolysis bullosa simplex, autosomal recessive 2. Identifiers: Orphanet 412181, MedGen C3809470, MONDO:0014180, OMIM 615425.

Allele frequency attached by ClinVar (database versions not stated): ExAC 0.00001; gnomAD 0.00001 and 0.00002; gnomAD exomes 0.00001; TOPMed 0.00002.
gnomAD v4.1: 11 of 1,570,910 alleles (0.0007%); highest among the groups gnomAD compares: African/African-American, 0.0028%; no homozygotes.

Submission:

Labcorp Genetics (formerly Invitae), Labcorp
Classification: Uncertain significance for Epidermolysis bullosa simplex 3, localized or generalized intermediate, with BP230 deficiency; Hereditary sensory and autonomic neuropathy type 6. Last evaluated: 2024-05-22. Review status: criteria provided, single submitter. Criteria: Invitae Variant Classification Sherloc (09022015). Collection method: clinical testing. Allele origin: germline.
Comment: The DST gene has multiple clinically relevant transcripts. This variant occurs in alternate transcript NM_015548.4, and corresponds to NM_001723.5:c.*80235G>A in the primary transcript. This sequence change replaces arginine, which is basic and polar, with glutamine, which is neutral and polar, at codon 2971 of the DST protein (p.Arg2971Gln). This variant is present in population databases (rs766153258, gnomAD 0.005%). This variant has not been reported in the literature in individuals affected with DST-related conditions. Experimental studies and prediction algorithms are not available or were not evaluated, and the functional significance of this variant is currently unknown. In summary, the available evidence is currently insufficient to determine the role of this variant in disease. Therefore, it has been classified as a Variant of Uncertain Significance.